The following is an entry in ClinVar:

NM_002481.4(PPP1R12B):c.738_740del (p.Gln246_Asp247delinsHis)

Gene: PPP1R12B (protein phosphatase 1 regulatory subunit 12B; plus strand). Cytogenetic location: 1q32.1.
Variant type: Deletion.
Coding change: c.738_740del on transcript NM_002481.4 (MANE Select); coding-DNA positions 738 to 740, 3 bases deleted (GGA; older notation c.738_740delGGA).
Protein change: p.Gln246_Asp247delinsHis.
Molecular consequence: inframe indel.
Genome position (GRCh38, 1-based): chr1:202,427,076-202,427,078, GGA deleted; deleting any 3 consecutive bases within chr1:202,427,075-202,427,078 gives the same sequence; the c. name uses the placement nearest the transcript's 3' end. VCF-style (leftmost placement, unchanged base first): chr1-202427074-CAGG-C. GRCh37 (hg19) VCF-style: chr1-202396202-CAGG-C.
Other names: c.738_740del, p.Gln246_Asp247delinsHis (NM_001167857.2, NM_001167858.2, NM_001331029.2 and 1 more transcripts).
Identifiers: ClinVar variation 2639787 (VCV002639787.24), dbSNP rs2527825073, ClinGen allele CA2695199961.

ClinVar aggregate classification (germline): Uncertain significance (1 of 4 stars; one submission).

Submission:

CeGaT Center for Human Genetics Tuebingen
Classification: Uncertain significance. Last evaluated: 2022-09-01. Review status: criteria provided, single submitter. Criteria: CeGaT Center For Human Genetics Tuebingen Variant Classification Criteria Version 2. Collection method: clinical testing. Allele origin: germline. Affected: yes. Observed: 1 variant allele.
Comment: PPP1R12B: PM2, PM4